The following is an entry in ClinVar:

NM_014028.4(OSTM1):c.325G>A (p.Val109Met)

Gene: OSTM1 (osteoclastogenesis associated transmembrane protein 1; minus strand). Cytogenetic location: 6q21.
Variant type: single nucleotide variant.
Coding change: c.325G>A on transcript NM_014028.4 (MANE Select); coding-DNA position 325, G replaced by A.
Protein change: p.Val109Met; replaces valine 109 with methionine.
Molecular consequence: missense variant.
Genome position (GRCh38, 1-based): chr6:108,074,327, C>T on the plus strand (G>A on the coding strand, the complement: OSTM1 is on the minus strand). VCF-style: chr6-108074327-C-T. GRCh37 (hg19) VCF-style: chr6-108395531-C-T.
Other names: short protein forms V109M.
Identifiers: ClinVar variation 593746 (VCV000593746.12), dbSNP rs1456427265, ClinGen allele CA365330456.

ClinVar aggregate classification (germline): Uncertain significance. Review status: criteria provided, multiple submitters, no conflicts (2 of 4 stars). 4 submissions from 4 submitters: Uncertain significance (4). Last evaluated 2025-08-07.

Conditions:
Inborn genetic diseases. Identifiers: MedGen C0950123, MeSH D030342.
Autosomal recessive osteopetrosis 5. Identifiers: Orphanet 85179, MedGen C1968603, MONDO:0009817, OMIM 259720.

Allele frequency attached by ClinVar (database versions not stated): gnomAD 0.00001 and 0.00002; TOPMed 0.00001; gnomAD exomes 0.00003.
gnomAD v4.1: 42 of 1,611,182 alleles (0.0026%); highest among the groups gnomAD compares: Non-Finnish European, 0.0034%; no homozygotes.

Submissions (4):

Ambry Genetics
Classification: Uncertain significance for Inborn genetic diseases. Last evaluated: 2025-08-07. Review status: criteria provided, single submitter. Criteria: Ambry Variant Classification Scheme 2023. Collection method: clinical testing. Allele origin: germline.

Labcorp Genetics (formerly Invitae), Labcorp
Classification: Uncertain significance. Last evaluated: 2021-11-16. Review status: criteria provided, single submitter. Criteria: Invitae Variant Classification Sherloc (09022015). Collection method: clinical testing. Allele origin: germline.
Comment: This sequence change replaces valine, which is neutral and non-polar, with methionine, which is neutral and non-polar, at codon 109 of the OSTM1 protein (p.Val109Met). This variant is present in population databases (no rsID available, gnomAD 0.01%). This variant has not been reported in the literature in individuals affected with OSTM1-related conditions. ClinVar contains an entry for this variant (Variation ID: 593746). Algorithms developed to predict the effect of missense changes on protein structure and function are either unavailable or do not agree on the potential impact of this missense change (SIFT: "Deleterious"; PolyPhen-2: "Probably Damaging"; Align-GVGD: "Class C0"). In summary, the available evidence is currently insufficient to determine the role of this variant in disease. Therefore, it has been classified as a Variant of Uncertain Significance.

Illumina Laboratory Services, Illumina
Classification: Uncertain significance for Autosomal recessive osteopetrosis 5. Last evaluated: 2018-01-13. Review status: criteria provided, single submitter. Criteria: ICSL Variant Classification Criteria 13 December 2019. Collection method: clinical testing. Allele origin: germline.

Eurofins Ntd Llc (ga)
Classification: Uncertain significance. Last evaluated: 2017-09-12. Review status: criteria provided, single submitter. Criteria: EGL Classification Definitions 2015. Collection method: clinical testing. Allele origin: germline. Observed: 1 variant allele, 1 heterozygote.